The following is an entry in ClinVar:

NM_015202.5(KATNIP):c.4592C>T (p.Ala1531Val)

Gene: KATNIP (katanin interacting protein; plus strand). Cytogenetic location: 16p12.1.
Variant type: single nucleotide variant.
Coding change: c.4592C>T on transcript NM_015202.5 (MANE Select); coding-DNA position 4592, C replaced by T.
Protein change: p.Ala1531Val; replaces alanine 1531 with valine.
Molecular consequence: missense variant.
Genome position (GRCh38, 1-based): chr16:27,777,650, C>T. VCF-style: chr16-27777650-C-T. GRCh37 (hg19) VCF-style: chr16-27788971-C-T.
Other names: short protein forms A1531V.
Identifiers: ClinVar variation 1926920 (VCV001926920.5), dbSNP rs1287887049, ClinGen allele CA395332476.

ClinVar aggregate classification (germline): Uncertain significance (1 of 4 stars; one submission).

Allele frequency attached by ClinVar (database versions not stated): TOPMed below 0.00001; gnomAD 0.00001; gnomAD exomes 0.00001.
gnomAD v4.1: 16 of 1,613,564 alleles (0.00099%); highest among the groups gnomAD compares: African/African-American, 0.0013%; no homozygotes.

Submission:

Labcorp Genetics (formerly Invitae), Labcorp
Classification: Uncertain significance. Last evaluated: 2022-07-07. Review status: criteria provided, single submitter. Criteria: Invitae Variant Classification Sherloc (09022015). Collection method: clinical testing. Allele origin: germline.
Comment: Algorithms developed to predict the effect of missense changes on protein structure and function are either unavailable or do not agree on the potential impact of this missense change (SIFT: "Tolerated"; PolyPhen-2: "Possibly Damaging"; Align-GVGD: "Class C0"). This variant has not been reported in the literature in individuals affected with KIAA0556-related conditions. This variant is present in population databases (no rsID available, gnomAD 0.01%). This sequence change replaces alanine, which is neutral and non-polar, with valine, which is neutral and non-polar, at codon 1531 of the KIAA0556 protein (p.Ala1531Val). In summary, the available evidence is currently insufficient to determine the role of this variant in disease. Therefore, it has been classified as a Variant of Uncertain Significance.